The following is an entry in ClinVar:

NM_000233.4(LHCGR):c.*148T>C

Genes: STON1-GTF2A1L (STON1-GTF2A1L readthrough; plus strand), LHCGR (luteinizing hormone/choriogonadotropin receptor; minus strand). Cytogenetic location: 2p16.3.
Variant type: single nucleotide variant.
Coding change: c.*148T>C on transcript NM_000233.4 (MANE Select); 148 bases downstream of the stop codon, T replaced by C.
Molecular consequence: 3 prime UTR variant. On other transcripts: intron variant (1).
Genome position (GRCh38, 1-based): chr2:48,687,549, A>G on the plus strand (T>C on the coding strand, the complement: LHCGR is on the minus strand). VCF-style: chr2-48687549-A-G. GRCh37 (hg19) VCF-style: chr2-48914688-A-G.
Other names: c.3441+15869A>G (NM_001198593.2).
Identifiers: ClinVar variation 336455 (VCV000336455.9), dbSNP rs79248442, ClinGen allele CA10615769.

ClinVar aggregate classification (germline): Benign. Review status: criteria provided, multiple submitters, no conflicts (2 of 4 stars). 3 submissions from 3 submitters: Benign (3). Last evaluated 2018-08-12.

Conditions:
Gonadotropin-independent familial sexual precocity. Also called: TESTOTOXICOSIS, FAMILIAL; Familial male-limited precocious puberty. Identifiers: Orphanet 3000, MedGen C0342549, MONDO:0008303, OMIM 176410.

Allele frequency attached by ClinVar (database versions not stated): gnomAD exomes 0.05630; 1000 Genomes Project 0.08187; 1000 Genomes Project 30x 0.08604; gnomAD 0.10079 and 0.10655; TOPMed 0.10586.
gnomAD v4.1: 43,598 of 650,988 alleles (6.7%); highest among the groups gnomAD compares: African/African-American, 21%; 2,316 homozygotes.

Submissions (3):

GeneDx
Classification: Benign. Last evaluated: 2018-08-12. Review status: criteria provided, single submitter. Criteria: GeneDx Variant Classification Process June 2021. Collection method: clinical testing. Allele origin: germline. Affected: yes.

Illumina Laboratory Services, Illumina
Classification: Benign for Gonadotropin-independent familial sexual precocity. Last evaluated: 2018-01-13. Review status: criteria provided, single submitter. Criteria: ICSL Variant Classification Criteria 13 December 2019. Collection method: clinical testing. Allele origin: germline.
Comment: This variant was observed in the ICSL laboratory as part of a predisposition screen in an ostensibly healthy population. It had not been previously curated by ICSL or reported in the Human Gene Mutation Database (HGMD: prior to June 1st, 2018), and was therefore a candidate for classification through an automated scoring system. Utilizing variant allele frequency, disease prevalence and penetrance estimates, and inheritance mode, an automated score was calculated to assess if this variant is too frequent to cause the disease. Based on the score and internal cut-off values, a variant classified as benign is not then subjected to further curation. The score for this variant resulted in a classification of benign for this disease.

Breakthrough Genomics
Classification: Benign. Review status: criteria provided, single submitter. Criteria: ACMG Guidelines, 2015. Collection method: not provided. Allele origin: germline. Inheritance: Autosomal recessive inheritance. Affected: yes.